The following is an entry in ClinVar:

NM_198428.3(BBS9):c.101G>A (p.Gly34Glu)

Gene: BBS9 (Bardet-Biedl syndrome 9; plus strand). Cytogenetic location: 7p14.3.
Variant type: single nucleotide variant.
Coding change: c.101G>A on transcript NM_198428.3 (MANE Select); coding-DNA position 101, G replaced by A.
Protein change: p.Gly34Glu; replaces glycine 34 with glutamic acid.
Molecular consequence: missense variant. On other transcripts: 5 prime UTR variant (3), non-coding transcript variant (3), intron variant (4).
Genome position (GRCh38, 1-based): chr7:33,146,353, G>A. VCF-style: chr7-33146353-G-A. GRCh37 (hg19) VCF-style: chr7-33185965-G-A.
Other names: c.101G>A (NM_198428.2); c.101G>A, p.Gly34Glu (NM_001033604.2, NM_001033605.2, NM_001348036.1 and 7 more transcripts); c.-201G>A (NM_001348037.3); c.-177G>A (NM_001348038.3, NM_001348039.3); c.-23-6348G>A (NM_001348042.3); c.-189-6348G>A (NM_001348045.3); c.-39+16312G>A (NM_001348046.3, NM_001348044.3); short protein forms G34E.
Identifiers: ClinVar variation 2142981 (VCV002142981.5), dbSNP rs1792340509, ClinGen allele CA367189438.
Genomic context (GRCh38, chr7:33,146,353, plus strand): 5'-TGGGAGATAAAGAAGAATTTGATCAAGGCTGTTTGTGTCTGGCTAATGTTGACAATAGTG[G>A]AAATGGACAAGGTAAGCAACTTACAACCATACATCTTGGATGAAAGTTTTAAAGAGATCA-3'
Protein context (NP_940820.1, residues 24-44): CLCLANVDNS[Gly34Glu]NGQDKIIVGS

ClinVar aggregate classification (germline): Uncertain significance. Review status: criteria provided, multiple submitters, no conflicts (2 of 4 stars). 2 submissions from 2 submitters: Uncertain significance (2). Last evaluated 2025-01-08.

Conditions:
Bardet-Biedl syndrome (BBS). Identifiers: Orphanet 110, MedGen C0752166, MONDO:0015229.
BBS9-related disorder. Also called: BBS9-related condition.

Allele frequency attached by ClinVar (database versions not stated): TOPMed below 0.00001; gnomAD exomes 0.00001.
gnomAD v4.1: 5 of 1,613,120 alleles (0.00031%); highest among the groups gnomAD compares: Admixed American, 0.005%; no homozygotes.

Submissions (2):

PreventionGenetics, part of Exact Sciences
Classification: Uncertain significance for BBS9-related condition. Last evaluated: 2025-01-08. Review status: criteria provided, single submitter. Criteria: ACMG Guidelines, 2015. Collection method: clinical testing. Allele origin: germline.
Comment: The BBS9 c.101G>A variant is predicted to result in the amino acid substitution p.Gly34Glu. To our knowledge, this variant has not been reported in the literature or in a large population database (gnomAD), indicating this variant is rare. At this time, the clinical significance of this variant is uncertain due to the absence of conclusive functional and genetic evidence.

Labcorp Genetics (formerly Invitae), Labcorp
Classification: Uncertain significance for Bardet-Biedl syndrome. Last evaluated: 2024-01-08. Review status: criteria provided, single submitter. Criteria: Invitae Variant Classification Sherloc (09022015). Collection method: clinical testing. Allele origin: germline.
Comment: This sequence change replaces glycine, which is neutral and non-polar, with glutamic acid, which is acidic and polar, at codon 34 of the BBS9 protein (p.Gly34Glu). This variant is not present in population databases (gnomAD no frequency). This variant has not been reported in the literature in individuals affected with BBS9-related conditions. ClinVar contains an entry for this variant (Variation ID: 2142981). Advanced modeling of protein sequence and biophysical properties (such as structural, functional, and spatial information, amino acid conservation, physicochemical variation, residue mobility, and thermodynamic stability) performed at Invitae indicates that this missense variant is not expected to disrupt BBS9 protein function with a negative predictive value of 80%. In summary, the available evidence is currently insufficient to determine the role of this variant in disease. Therefore, it has been classified as a Variant of Uncertain Significance.